The following is an entry in ClinVar:

NM_001458.5(FLNC):c.1991_1994del (p.Asp664fs)

Gene: FLNC (filamin C; plus strand). Cytogenetic location: 7q32.1.
Variant type: Deletion.
Coding change: c.1991_1994del on transcript NM_001458.5 (MANE Select); coding-DNA positions 1991 to 1994, 4 bases deleted (ACTG; older notation c.1991_1994delACTG).
Protein change: p.Asp664fs; shifts the reading frame from aspartic acid 664.
Molecular consequence: frameshift variant.
Genome position (GRCh38, 1-based): chr7:128,841,347-128,841,350, ACTG deleted; deleting any 4 consecutive bases within chr7:128,841,344-128,841,350 gives the same sequence; the c. name uses the placement nearest the transcript's 3' end. VCF-style (leftmost placement, unchanged base first): chr7-128841343-CCTGA-C. GRCh37 (hg19) VCF-style: chr7-128481397-CCTGA-C.
Other names: c.1991_1994del, p.Asp664fs (NM_001127487.2); short protein forms D664fs.
Identifiers: ClinVar variation 1068840 (VCV001068840.7), dbSNP rs2128935287, ClinGen allele CA2499218723.

ClinVar aggregate classification (germline): Pathogenic (1 of 4 stars; one submission).

Conditions:
Myofibrillar myopathy 5. Also called: Filaminopathy (type); FILAMINOPATHY, AUTOSOMAL DOMINANT. Identifiers: Orphanet 171445, MedGen C1836050, MONDO:0012289, OMIM 609524.
Distal myopathy with posterior leg and anterior hand involvement. Also called: WILLIAMS DISTAL MYOPATHY. Identifiers: Orphanet 63273, MedGen C3279722, MONDO:0013550, OMIM 614065.
Hypertrophic cardiomyopathy 26. Also called: Cardiomyopathy, familial hypertrophic, 26. Identifiers: Orphanet 75249, MedGen C4310749, MONDO:0014883, OMIM 617047.

Submission:

Labcorp Genetics (formerly Invitae), Labcorp
Classification: Pathogenic for Distal myopathy with posterior leg and anterior hand involvement; Myofibrillar myopathy 5; Hypertrophic cardiomyopathy 26. Last evaluated: 2020-08-29. Review status: criteria provided, single submitter. Criteria: Invitae Variant Classification Sherloc (09022015). Collection method: clinical testing. Allele origin: germline.
Comment: This sequence change creates a premature translational stop signal (p.Asp664Alafs*6) in the FLNC gene. It is expected to result in an absent or disrupted protein product. This variant is not present in population databases (ExAC no frequency). This variant has not been reported in the literature in individuals with FLNC-related conditions. Loss-of-function variants in FLNC are known to be pathogenic (PMID: 27908349). For these reasons, this variant has been classified as Pathogenic.

Literature cited by the submitters: PubMed 27908349.